The following is an entry in ClinVar:

ClinVar aggregate classification (germline): Conflicting classifications of pathogenicity. Review status: criteria provided, conflicting classifications (1 of 4 stars). 4 submissions from 4 submitters: Uncertain significance (2); Likely benign (2). Last evaluated 2026-01-26.

Conditions:
ATP6V0A4-related disorder. Also called: ATP6V0A4-related condition.

Allele frequency attached by ClinVar (database versions not stated): gnomAD 0.00003; TOPMed 0.00004; gnomAD exomes 0.00006; ExAC 0.00007; ESP Exome Variant Server 0.00008.
gnomAD v4.1: 89 of 1,613,880 alleles (0.0055%); highest among the groups gnomAD compares: Middle Eastern, 0.099%; no homozygotes.

Submissions (4):

Women's Health and Genetics/Laboratory Corporation of America, LabCorp
Classification: Uncertain significance. Last evaluated: 2026-01-26. Review status: criteria provided, single submitter. Criteria: LabCorp Variant Classification Summary - May 2015. Collection method: clinical testing. Allele origin: germline.

PreventionGenetics, part of Exact Sciences
Classification: Likely benign for ATP6V0A4-related condition. Last evaluated: 2025-04-08. Review status: criteria provided, single submitter. Criteria: ACMG Guidelines, 2015. Collection method: clinical testing. Allele origin: germline.
Comment: This variant is classified as likely benign based on ACMG/AMP sequence variant interpretation guidelines (Richards et al. 2015 PMID: 25741868, with internal and published modifications).

Blueprint Genetics
Classification: Likely benign. Last evaluated: 2024-03-14. Review status: criteria provided, single submitter. Criteria: ACMG Guidelines, 2015. Collection method: clinical testing. Allele origin: germline.

Labcorp Genetics (formerly Invitae), Labcorp
Classification: Uncertain significance. Last evaluated: 2022-10-27. Review status: criteria provided, single submitter. Criteria: Invitae Variant Classification Sherloc (09022015). Collection method: clinical testing. Allele origin: germline.
Comment: This sequence change falls in intron 19 of the ATP6V0A4 gene. It does not directly change the encoded amino acid sequence of the ATP6V0A4 protein. It affects a nucleotide within the consensus splice site. This variant is present in population databases (rs369875599, gnomAD 0.02%). This variant has not been reported in the literature in individuals affected with ATP6V0A4-related conditions. Variants that disrupt the consensus splice site are a relatively common cause of aberrant splicing (PMID: 17576681, 9536098). Algorithms developed to predict the effect of sequence changes on RNA splicing suggest that this variant may disrupt the consensus splice site. In summary, the available evidence is currently insufficient to determine the role of this variant in disease. Therefore, it has been classified as a Variant of Uncertain Significance.

Literature cited by the submitters: PubMed 17576681 (cited by Labcorp Genetics (formerly Invitae), Labcorp); PubMed 9536098 (cited by Labcorp Genetics (formerly Invitae), Labcorp).

NM_020632.3(ATP6V0A4):c.2139+5C>G

Gene: ATP6V0A4 (ATPase H+ transporting V0 subunit a4; minus strand). Cytogenetic location: 7q34.
Variant type: single nucleotide variant.
Coding change: c.2139+5C>G on transcript NM_020632.3 (MANE Select); 5 bases into the intron after coding-DNA position 2139, C replaced by G.
Molecular consequence: intron variant.
Genome position (GRCh38, 1-based): chr7:138,721,892, G>C on the plus strand (C>G on the coding strand, the complement: ATP6V0A4 is on the minus strand). VCF-style: chr7-138721892-G-C. GRCh37 (hg19) VCF-style: chr7-138406637-G-C.
Other names: c.2139+5C>G (NM_020632.2, NM_130840.3, NM_130841.3).
Identifiers: ClinVar variation 2148795 (VCV002148795.4), dbSNP rs369875599, ClinGen allele CA4504528.